The following is an entry in ClinVar:

NM_004247.4(EFTUD2):c.1069A>G (p.Thr357Ala)

Gene: EFTUD2 (elongation factor Tu GTP binding domain containing 2; minus strand). Cytogenetic location: 17q21.31.
Variant type: single nucleotide variant.
Coding change: c.1069A>G on transcript NM_004247.4 (MANE Select); coding-DNA position 1069, A replaced by G.
Protein change: p.Thr357Ala; replaces threonine 357 with alanine.
Molecular consequence: missense variant.
Genome position (GRCh38, 1-based): chr17:44,867,887, T>C on the plus strand (A>G on the coding strand, the complement: EFTUD2 is on the minus strand). VCF-style: chr17-44867887-T-C. GRCh37 (hg19) VCF-style: chr17-42945255-T-C.
Other names: c.964A>G, p.Thr322Ala (NM_001142605.2); c.1069A>G, p.Thr357Ala (NM_001258353.2); c.1039A>G, p.Thr347Ala (NM_001258354.2); short protein forms T322A, T347A, T357A.
Identifiers: ClinVar variation 2873770 (VCV002873770.3), dbSNP rs2508780710, ClinGen allele CA399816135.

ClinVar aggregate classification (germline): Uncertain significance (1 of 4 stars; one submission).

Allele frequency attached by ClinVar (database versions not stated): gnomAD exomes below 0.00001.
gnomAD v4.1: 1 of 1,598,052 alleles (0.000063%); highest among the groups gnomAD compares: Non-Finnish European, 0.000085%; no homozygotes.

Submission:

Labcorp Genetics (formerly Invitae), Labcorp
Classification: Uncertain significance. Last evaluated: 2023-07-03. Review status: criteria provided, single submitter. Criteria: Invitae Variant Classification Sherloc (09022015). Collection method: clinical testing. Allele origin: germline.
Comment: In summary, the available evidence is currently insufficient to determine the role of this variant in disease. Therefore, it has been classified as a Variant of Uncertain Significance. Advanced modeling of protein sequence and biophysical properties (such as structural, functional, and spatial information, amino acid conservation, physicochemical variation, residue mobility, and thermodynamic stability) performed at Invitae indicates that this missense variant is not expected to disrupt EFTUD2 protein function. This variant has not been reported in the literature in individuals affected with EFTUD2-related conditions. This variant is not present in population databases (gnomAD no frequency). This sequence change replaces threonine, which is neutral and polar, with alanine, which is neutral and non-polar, at codon 357 of the EFTUD2 protein (p.Thr357Ala).